The following is an entry in ClinVar:

ClinVar aggregate classification (germline): Pathogenic/Likely pathogenic. Review status: criteria provided, multiple submitters, no conflicts (2 of 4 stars). 4 submissions from 4 submitters: Pathogenic (1); Likely pathogenic (2). 1 of the submissions does not count toward it. Last evaluated 2026-08-06.

Conditions:
Primary ciliary dyskinesia 26. Also called: CILIARY DYSKINESIA, PRIMARY, 26, WITH OR WITHOUT SITUS INVERSUS; CILIARY DYSKINESIA, PRIMARY, 26, WITH SITUS INVERSUS; CILIARY DYSKINESIA, PRIMARY, 26, WITHOUT SITUS INVERSUS. Identifiers: Orphanet 244, MedGen C3809684, MONDO:0014211, OMIM 615500.

Allele frequency attached by ClinVar (database versions not stated): gnomAD 0.00003; TOPMed 0.00002.
gnomAD v4.1: 92 of 1,613,936 alleles (0.0057%); highest among the groups gnomAD compares: Non-Finnish European, 0.0014%; no homozygotes.

Submissions (4):

OLLIN Analises Genomicas, OLLIN
Classification: Likely pathogenic for Primary ciliary dyskinesia 26. Last evaluated: 2026-08-06. Review status: criteria provided, single submitter. Criteria: ACMG Guidelines 2015 PMID 25741868. Collection method: clinical testing. Allele origin: germline. Inheritance: Autosomal recessive inheritance.
Comment: This nonsense variant, located in exon 6 (of 7), has been reported in ClinVar (accession VCV000209002.12), in gnomAD with an allele frequency of 0.0057%, and in the scientific literature, in compound heterozygosity, in individuals with CFAP298 related disorders (PMID: 24094744). This variant introduces a premature stop codon, which is predicted to result in either a truncated protein or degradation of the mRNA via nonsense-mediated decay (NMD). According to the currently available evidence, this variant has been classified as likely pathogenic (PVS1_S, PM2_P, PM3_P).

Labcorp Genetics (formerly Invitae), Labcorp
Classification: Pathogenic. Last evaluated: 2025-12-01. Review status: criteria provided, single submitter. Criteria: Invitae Variant Classification Sherloc (09022015). Collection method: clinical testing. Allele origin: germline.
Comment: This sequence change creates a premature translational stop signal (p.Tyr245*) in the CFAP298 gene. While this is not anticipated to result in nonsense mediated decay, it is expected to disrupt the last 46 amino acid(s) of the CFAP298 protein. This variant is present in population databases (rs202094637, gnomAD 0.2%). This premature translational stop signal has been observed in individual(s) with primary ciliary dyskinesia (PMID: 24094744; internal data). ClinVar contains an entry for this variant (Variation ID: 209002). For these reasons, this variant has been classified as Pathogenic.

Revvity Omics, Revvity
Classification: Likely pathogenic for Primary ciliary dyskinesia 26. Last evaluated: 2023-06-13. Review status: criteria provided, single submitter. Criteria: ACMG Guidelines, 2015. Collection method: clinical testing. Allele origin: germline.

OMIM
Classification: Pathogenic for CILIARY DYSKINESIA, PRIMARY, 26, WITH SITUS INVERSUS. Last evaluated: 2013-10-03. Review status: no assertion criteria provided. Collection method: literature only. Allele origin: germline. Not counted in ClinVar's aggregate classification.

Literature cited by the submitters: PubMed 24094744 (cited by 3 submitters).

NM_021254.4(CFAP298):c.735C>G (p.Tyr245Ter)

Genes: CFAP298 (cilia and flagella associated protein 298; minus strand), CFAP298-TCP10L (CFAP298-TCP10L readthrough; minus strand). Cytogenetic location: 21q22.11.
Variant type: single nucleotide variant.
Coding change: c.735C>G on transcript NM_021254.4 (MANE Select); coding-DNA position 735, C replaced by G.
Protein change: p.Tyr245Ter; replaces tyrosine 245 with a stop codon.
Molecular consequence: nonsense. On other transcripts: 3 prime UTR variant (1), intron variant (2).
Genome position (GRCh38, 1-based): chr21:32,602,299, G>C on the plus strand (C>G on the coding strand, the complement: CFAP298 is on the minus strand). VCF-style: chr21-32602299-G-C. GRCh37 (hg19) VCF-style: chr21-33974609-G-C.
Other names: CFAP298, TYR245TER (rs202094637); c.438C>G, p.Tyr146Ter (NM_001350334.2); c.*790C>G (NM_001350335.2); c.735C>G, p.Tyr245Ter (NM_001350337.2); c.666+862C>G (NM_001350338.2); c.667-326C>G (NM_001350336.2); short protein forms Y245*, Y146*.
Identifiers: ClinVar variation 209002 (VCV000209002.13), dbSNP rs202094637, ClinGen allele CA346951.